The following is an entry in ClinVar:

ClinVar aggregate classification (germline): Benign/Likely benign. Review status: criteria provided, multiple submitters, no conflicts (2 of 4 stars). 4 submissions from 4 submitters: Benign (1); Likely benign (3). Last evaluated 2025-11-28.

Conditions:
Cardiovascular phenotype. Identifiers: MedGen CN230736.
ABCA1-related disorder. Also called: ABCA1-related condition; ABCA1-related disorders. Identifiers: MedGen CN239173.

Allele frequency attached by ClinVar (database versions not stated): gnomAD exomes 0.00003; ExAC 0.00007; gnomAD 0.00029; ESP Exome Variant Server 0.00038; TOPMed 0.00039; 1000 Genomes Project 0.00040; 1000 Genomes Project 30x 0.00062.
gnomAD v4.1: 84 of 1,614,230 alleles (0.0052%); highest among the groups gnomAD compares: African/African-American, 0.1%; no homozygotes.

Submissions (4):

PreventionGenetics, part of Exact Sciences
Classification: Likely benign for ABCA1-related condition. Last evaluated: 2025-11-28. Review status: criteria provided, single submitter. Criteria: ACMG Guidelines, 2015. Collection method: clinical testing. Allele origin: germline.
Comment: This variant is classified as likely benign based on ACMG/AMP sequence variant interpretation guidelines (Richards et al. 2015 PMID: 25741868, with internal and published modifications).

Labcorp Genetics (formerly Invitae), Labcorp
Classification: Benign. Last evaluated: 2025-06-20. Review status: criteria provided, single submitter. Criteria: Invitae Variant Classification Sherloc (09022015). Collection method: clinical testing. Allele origin: germline.

CeGaT Center for Human Genetics Tuebingen
Classification: Likely benign. Last evaluated: 2023-02-01. Review status: criteria provided, single submitter. Criteria: CeGaT Center For Human Genetics Tuebingen Variant Classification Criteria Version 2. Collection method: clinical testing. Allele origin: germline. Affected: yes. Observed: 1 variant allele.
Comment: ABCA1: BP4, BP7

Ambry Genetics
Classification: Likely benign for Cardiovascular phenotype. Last evaluated: 2019-07-08. Review status: criteria provided, single submitter. Criteria: Ambry Variant Classification Scheme 2023. Collection method: clinical testing. Allele origin: germline.

NM_005502.4(ABCA1):c.5094C>T (p.Tyr1698=)

Gene: ABCA1 (ATP binding cassette subfamily A member 1; minus strand). Cytogenetic location: 9q31.1.
Variant type: single nucleotide variant.
Coding change: c.5094C>T on transcript NM_005502.4 (MANE Select); coding-DNA position 5094, C replaced by T.
Protein change: p.Tyr1698=; no amino-acid change (tyrosine 1698 retained).
Molecular consequence: synonymous variant.
Genome position (GRCh38, 1-based): chr9:104,798,448, G>A on the plus strand (C>T on the coding strand, the complement: ABCA1 is on the minus strand). VCF-style: chr9-104798448-G-A. GRCh37 (hg19) VCF-style: chr9-107560729-G-A.
Identifiers: ClinVar variation 1745289 (VCV001745289.32), dbSNP rs147570976, ClinGen allele CA5167944.
Genomic context (GRCh38, chr9:104,798,448, plus strand): 5'-CATCAGAAAGATACAGCAGGCCTGTGTCCTTACCATATCCCAGACAAAATTAGAGAGCCA[G>A]TAGATGACAGGCTTCACTCCACTGATGAACTGCAGGTGTTTTGCTTTGCTGACCCGCTCC-3'
Protein context (NP_005493.2, residues 1688-1708): QFISGVKPVI[Tyr1698=]WLSNFVWDMC